The following is an entry in ClinVar:

NM_033116.6(NEK9):c.369G>A (p.Thr123=)

Gene: NEK9 (NIMA related kinase 9; minus strand). Cytogenetic location: 14q24.3.
Variant type: single nucleotide variant.
Coding change: c.369G>A on transcript NM_033116.6 (MANE Select); coding-DNA position 369, G replaced by A.
Protein change: p.Thr123=; no amino-acid change (threonine 123 retained).
Molecular consequence: synonymous variant.
Genome position (GRCh38, 1-based): chr14:75,124,074, C>T on the plus strand (G>A on the coding strand, the complement: NEK9 is on the minus strand). VCF-style: chr14-75124074-C-T. GRCh37 (hg19) VCF-style: chr14-75590777-C-T.
Other names: c.369G>A, p.Thr123= (NM_001329237.2); c.15G>A, p.Thr5= (NM_001329238.2).
Identifiers: ClinVar variation 4990017 (VCV004990017.1).
Genomic context (GRCh38, chr14:75,124,074, plus strand): 5'-TGCTGGAAAAGTCCCACTGAACTCTATCTTACCATTACAATATTCCAGCTCAATCAGCAG[C>T]GTGGTATTGTCCATGAAGTGATTGTAGTAGGCAATAATGTTGTCGTGCTGCAGCAGTGCC-3'
Protein context (NP_149107.4, residues 113-133): AYYNHFMDNT[Thr123=]LLIELEYCNG

ClinVar aggregate classification (germline): Benign (1 of 4 stars; one submission).

Conditions:
NEK9-related disorder. Also called: NEK9-related condition.

gnomAD v4.1: 1,195 of 1,613,552 alleles (0.074%); highest among the groups gnomAD compares: East Asian, 2.1%; 19 homozygotes.

Submission:

PreventionGenetics, part of Exact Sciences
Classification: Benign for NEK9-related condition. Last evaluated: 2025-05-23. Review status: criteria provided, single submitter. Criteria: ACMG Guidelines, 2015. Collection method: clinical testing. Allele origin: germline.
Comment: This variant is classified as benign based on ACMG/AMP sequence variant interpretation guidelines (Richards et al. 2015 PMID: 25741868, with internal and published modifications).